The following is an entry in ClinVar:

NM_000535.7(PMS2):c.1398C>T (p.Gly466=)

Gene: PMS2 (PMS1 homolog 2, mismatch repair system component; minus strand). Cytogenetic location: 7p22.1.
Variant type: single nucleotide variant.
Coding change: c.1398C>T on transcript NM_000535.7 (MANE Select); coding-DNA position 1398, C replaced by T.
Protein change: p.Gly466=; no amino-acid change (glycine 466 retained).
Molecular consequence: synonymous variant. On other transcripts: non-coding transcript variant (1).
Genome position (GRCh38, 1-based): chr7:5,987,367, G>A on the plus strand (C>T on the coding strand, the complement: PMS2 is on the minus strand). VCF-style: chr7-5987367-G-A. GRCh37 (hg19) VCF-style: chr7-6026998-G-A.
Other names: c.993C>T, p.Gly331= (NM_001322003.2, NM_001322004.2, NM_001322005.2 and 1 more transcripts); c.1242C>T, p.Gly414= (NM_001322006.2); c.1080C>T, p.Gly360= (NM_001322007.2, NM_001322008.2); c.837C>T, p.Gly279= (NM_001322010.2); c.465C>T, p.Gly155= (NM_001322011.2, NM_001322012.2); c.825C>T, p.Gly275= (NM_001322013.2); c.1398C>T, p.Gly466= (NM_001322014.2); c.1089C>T, p.Gly363= (NM_001322015.2).
Identifiers: ClinVar variation 231440 (VCV000231440.43), dbSNP rs752666485, ClinGen allele CA043336.

ClinVar aggregate classification (germline): Benign/Likely benign. Review status: criteria provided, multiple submitters, no conflicts (2 of 4 stars). 9 submissions from 9 submitters: Benign (2); Likely benign (7). Last evaluated 2025-12-29.

Conditions:
Hereditary nonpolyposis colorectal neoplasms. Identifiers: MedGen C0009405, MeSH D003123.
Hereditary cancer-predisposing syndrome. Also called: Neoplastic Syndromes, Hereditary; Hereditary Cancer Syndrome; Tumor predisposition; Hereditary neoplastic syndrome. Identifiers: Orphanet 140162, MedGen C0027672, MeSH D009386, MONDO:0015356.
Lynch syndrome. Identifiers: Orphanet 144, MedGen C4552100, MONDO:0005835. Disease mechanism: loss of function.
Lynch syndrome 4 (LYNCH4). Also called: Colorectal cancer, hereditary nonpolyposis, type 4; Hereditary non-polyposis colorectal cancer, type 4. Identifiers: Orphanet 144, MedGen C1838333, MONDO:0013699, OMIM 614337. Disease mechanism: loss of function.

Allele frequency attached by ClinVar (database versions not stated): gnomAD 0.00001.
gnomAD v4.1: 12 of 1,614,012 alleles (0.00074%); highest among the groups gnomAD compares: South Asian, 0.0033%; no homozygotes.

Submissions (9):

Center for Genomic Medicine, Rigshospitalet, Copenhagen University Hospital
Classification: Likely benign. Last evaluated: 2025-12-29. Review status: criteria provided, single submitter. Criteria: ACMG Guidelines, 2015. Collection method: clinical testing. Allele origin: germline.
Comment: Classification criteria: BP4, BP7

Labcorp Genetics (formerly Invitae), Labcorp
Classification: Likely benign for Hereditary nonpolyposis colorectal neoplasms. Last evaluated: 2025-11-06. Review status: criteria provided, single submitter. Criteria: Invitae Variant Classification Sherloc (09022015). Collection method: clinical testing. Allele origin: germline.

Myriad Genetics, Inc.
Classification: Benign for Lynch syndrome 4. Last evaluated: 2025-01-30. Review status: criteria provided, single submitter. Criteria: Myriad Autosomal Dominant, Autosomal Recessive and X-Linked Classification Criteria (2023). Collection method: clinical testing. Allele origin: unknown.
Comment: This variant is considered benign. This variant is a silent/synonymous amino acid change and it is not expected to impact splicing.

CeGaT Center for Human Genetics Tuebingen
Classification: Likely benign. Last evaluated: 2023-12-01. Review status: criteria provided, single submitter. Criteria: CeGaT Center For Human Genetics Tuebingen Variant Classification Criteria Version 2. Collection method: clinical testing. Allele origin: germline. Affected: yes. Observed: 1 variant allele.
Comment: PMS2: BP4, BP7

All of Us Research Program, National Institutes of Health
Classification: Likely benign for Lynch syndrome. Last evaluated: 2023-09-17. Review status: criteria provided, single submitter. Criteria: ACMG Guidelines, 2015. Collection method: clinical testing. Allele origin: germline. Inheritance: Autosomal dominant inheritance. Observed: 1 variant allele, 1 heterozygote.
Comment: This study involves interpretation of variants in research participants for the purpose of population health screening. Participant phenotype was not available at the time of variant classification. Additional details can be found in publication PMID: 35346344, PMCID: PMC8962531

University of Washington Department of Laboratory Medicine, University of Washington
Classification: Benign for Lynch syndrome. Last evaluated: 2018-05-01. Review status: criteria provided, single submitter. Criteria: Shirts BH et al. (Am J Hum Genet 2018). Collection method: clinical testing. Allele origin: somatic. Affected: yes.
Comment: PMS2 NM_000535.5:c.1398C>T has a 0.9% probability of pathogenicity based on combining prior probability from public data with a likelihood ratio of 0.16 to 1, generated from evidence of seeing this as a somatic mutation in a tumor with loss of heterozygosity at the PMS2 locus. See Shirts et al 2018, PMID 29887214.

Color Diagnostics, LLC DBA Color Health
Classification: Likely benign for Hereditary cancer-predisposing syndrome. Last evaluated: 2017-03-22. Review status: criteria provided, single submitter. Criteria: ACMG Guidelines, 2015. Collection method: clinical testing. Allele origin: germline.

GeneDx
Classification: Likely benign. Last evaluated: 2017-02-06. Review status: criteria provided, single submitter. Criteria: GeneDx Variant Classification (06012015). Collection method: clinical testing. Allele origin: germline. Affected: yes.
Comment: This variant is considered likely benign or benign based on one or more of the following criteria: it is a conservative change, it occurs at a poorly conserved position in the protein, it is predicted to be benign by multiple in silico algorithms, and/or has population frequency not consistent with disease.

Ambry Genetics
Classification: Likely benign for Hereditary cancer-predisposing syndrome. Last evaluated: 2015-05-04. Review status: criteria provided, single submitter. Criteria: Ambry Variant Classification Scheme 2023. Collection method: clinical testing. Allele origin: germline.